The following is an entry in ClinVar:

ClinVar aggregate classification (germline): Likely benign (1 of 4 stars; one submission).

Conditions:
Familial thoracic aortic aneurysm and aortic dissection (TAAD). Also called: Thoracic aortic aneurysms and dissections. Identifiers: Orphanet 91387, MedGen C4707243, MONDO:0019625.

gnomAD v4.1: 1 of 1,614,082 alleles (0.000062%); highest among the groups gnomAD compares: Non-Finnish European, 0.000085%; no homozygotes.

Submission:

All of Us Research Program, National Institutes of Health
Classification: Likely benign for Familial thoracic aortic aneurysm and aortic dissection. Last evaluated: 2024-06-09. Review status: criteria provided, single submitter. Criteria: ACMG Guidelines, 2015. Collection method: clinical testing. Allele origin: germline. Inheritance: Autosomal dominant inheritance. Observed: 1 variant allele, 1 heterozygote.
Comment: This study involves interpretation of variants in research participants for the purpose of population health screening. Participant phenotype was not available at the time of variant classification. Additional details can be found in publication PMID: 35346344, PMCID: PMC8962531

NM_002474.3(MYH11):c.2860-15C>T

Gene: MYH11 (myosin heavy chain 11; minus strand). Cytogenetic location: 16p13.11.
Variant type: single nucleotide variant.
Coding change: c.2860-15C>T on transcript NM_002474.3 (MANE Select); 15 bases into the intron before coding-DNA position 2860, C replaced by T.
Molecular consequence: intron variant.
Genome position (GRCh38, 1-based): chr16:15,740,203, G>A on the plus strand (C>T on the coding strand, the complement: MYH11 is on the minus strand). VCF-style: chr16-15740203-G-A. GRCh37 (hg19) VCF-style: chr16-15834060-G-A.
Other names: c.2860-15C>T (NM_022844.3); c.2881-15C>T (NM_001040114.2, NM_001040113.2).
Identifiers: ClinVar variation 3387209 (VCV003387209.1).